The following is an entry in ClinVar:

ClinVar aggregate classification (germline): Benign (1 of 4 stars; one submission).

Allele frequency attached by ClinVar (database versions not stated): TOPMed 0.67442; gnomAD 0.67639; 1000 Genomes Project 0.56629; 1000 Genomes Project 30x 0.57308.
gnomAD v4.1: 102,524 of 151,650 alleles (68%); highest among the groups gnomAD compares: Middle Eastern, 82%; 35,393 homozygotes.

Submission:

GeneDx
Classification: Benign. Last evaluated: 2018-06-14. Review status: criteria provided, single submitter. Criteria: GeneDx Variant Classification (06012015). Collection method: clinical testing. Allele origin: germline. Affected: yes.
Comment: This variant is considered likely benign or benign based on one or more of the following criteria: it is a conservative change, it occurs at a poorly conserved position in the protein, it is predicted to be benign by multiple in silico algorithms, and/or has population frequency not consistent with disease.

NM_001384140.1(PCDH15):c.705+288C>G

Gene: PCDH15 (protocadherin related 15; minus strand). Cytogenetic location: 10q21.1.
Variant type: single nucleotide variant.
Coding change: c.705+288C>G on transcript NM_001384140.1 (MANE Select); 288 bases into the intron after coding-DNA position 705, C replaced by G.
Molecular consequence: intron variant.
Genome position (GRCh38, 1-based): chr10:54,329,308, G>C on the plus strand (C>G on the coding strand, the complement: PCDH15 is on the minus strand). VCF-style: chr10-54329308-G-C. GRCh37 (hg19) VCF-style: chr10-56089068-G-C.
Other names: c.705+288C>G (NM_001354420.2, NM_001354429.2, NM_001142772.2 and 7 more transcripts); c.720+288C>G (NM_001142771.2, NM_001142769.3, NM_001142763.2); c.639+288C>G (NM_001354404.2, NM_001142773.2, NM_001142768.2); c.595-11867C>G (NM_001142767.2).
Identifiers: ClinVar variation 667936 (VCV000667936.1), dbSNP rs1159865, ClinGen allele CA207582251.